The following is an entry in ClinVar:

NM_019109.5(ALG1):c.1287T>C (p.Asp429=)

Genes: ALG1 (ALG1 chitobiosyldiphosphodolichol beta-mannosyltransferase; plus strand), EEF2KMT (eukaryotic elongation factor 2 lysine methyltransferase; minus strand). Cytogenetic location: 16p13.3.
Variant type: single nucleotide variant.
Coding change: c.1287T>C on transcript NM_019109.5 (MANE Select); coding-DNA position 1287, T replaced by C.
Protein change: p.Asp429=; no amino-acid change (aspartic acid 429 retained).
Molecular consequence: synonymous variant. On other transcripts: 3 prime UTR variant (3).
Genome position (GRCh38, 1-based): chr16:5,084,773, T>C. VCF-style: chr16-5084773-T-C. GRCh37 (hg19) VCF-style: chr16-5134774-T-C.
Other names: p.Asp429=; c.*859A>G (NM_001289029.2, NM_201400.4, NM_201598.4); c.954T>C, p.Asp318= (NM_001330504.2); c.1248T>C, p.Asp416= (NM_001438123.1).
Identifiers: ClinVar variation 4684074 (VCV004684074.1).
Genomic context (GRCh38, chr16:5,084,773, plus strand): 5'-GGCAATGAGGTAAGCTCTGCTCTTTATTTTTTTGCAGATGCTTTTCTCAAACTTTCCTGA[T>C]CCTGCGGGCAAGCTAAACCAGTTCCGGAAGAACCTGCGGGAGTCGCAGCAGCTCCGATGG-3'
Protein context (NP_061982.3, residues 419-439): QLQMLFSNFP[Asp429=]PAGKLNQFRK

ClinVar aggregate classification (germline): Likely benign (1 of 4 stars; one submission).

Submission:

Mayo Clinic Laboratories, Mayo Clinic
Classification: Likely benign. Last evaluated: 2025-09-08. Review status: criteria provided, single submitter. Criteria: ACMG Guidelines, 2015. Collection method: clinical testing. Allele origin: germline. Observed: 2 variant alleles.
Comment: BP4, BP7, PM2_supporting